The following is an entry in ClinVar:

ClinVar aggregate classification (germline): Uncertain significance (1 of 4 stars; one submission).

Conditions:
Retinoblastoma (RB1). Also called: RETINOBLASTOMA, SOMATIC. Identifiers: Orphanet 790, MedGen C0035335, MeSH D012175, MONDO:0008380, OMIM 180200, HP:0009919. Disease mechanism: loss of function. Inheritance: Both sporadic and heritable forms are tested..

gnomAD v4.1: 1 of 1,613,542 alleles (0.000062%); highest among the groups gnomAD compares: Non-Finnish European, 0.000085%; no homozygotes.

Submission:

Labcorp Genetics (formerly Invitae), Labcorp
Classification: Uncertain significance for Retinoblastoma. Last evaluated: 2025-07-02. Review status: criteria provided, single submitter. Criteria: Invitae Variant Classification Sherloc (09022015). Collection method: clinical testing. Allele origin: germline.
Comment: This sequence change replaces histidine, which is basic and polar, with tyrosine, which is neutral and polar, at codon 699 of the RB1 protein (p.His699Tyr). This variant is not present in population databases (gnomAD no frequency). This variant has not been reported in the literature in individuals affected with RB1-related conditions. Invitae Evidence Modeling of protein sequence and biophysical properties (such as structural, functional, and spatial information, amino acid conservation, physicochemical variation, residue mobility, and thermodynamic stability) indicates that this missense variant is expected to disrupt RB1 protein function with a positive predictive value of 80%. Algorithms developed to predict the effect of sequence changes on RNA splicing suggest that this variant may disrupt the consensus splice site. In summary, the available evidence is currently insufficient to determine the role of this variant in disease. Therefore, it has been classified as a Variant of Uncertain Significance.

NM_000321.3(RB1):c.2095C>T (p.His699Tyr)

Gene: RB1 (RB transcriptional corepressor 1; plus strand). Cytogenetic location: 13q14.2.
Variant type: single nucleotide variant.
Coding change: c.2095C>T on transcript NM_000321.3 (MANE Select); coding-DNA position 2095, C replaced by T.
Protein change: p.His699Tyr; replaces histidine 699 with tyrosine.
Molecular consequence: missense variant.
Genome position (GRCh38, 1-based): chr13:48,459,822, C>T. VCF-style: chr13-48459822-C-T. GRCh37 (hg19) VCF-style: chr13-49033958-C-T.
Other names: c.2095C>T, p.His699Tyr (NM_001407165.1); short protein forms H699Y.
Identifiers: ClinVar variation 4696691 (VCV004696691.1).